The following is an entry in ClinVar:

ClinVar aggregate classification (germline): Likely benign. Review status: criteria provided, multiple submitters, no conflicts (2 of 4 stars). 3 submissions from 3 submitters: Likely benign (3). Last evaluated 2025-11-28.

Conditions:
Fanconi anemia (FA). Also called: Fanconi's anemia. Identifiers: Orphanet 84, MedGen C0015625, MeSH D005199, MONDO:0019391.

Allele frequency attached by ClinVar (database versions not stated): gnomAD 0.00001; TOPMed 0.00002; gnomAD exomes 0.00003; ExAC 0.00004.
gnomAD v4.1: 75 of 1,614,142 alleles (0.0046%); highest among the groups gnomAD compares: Admixed American, 0.0067%; no homozygotes.

Submissions (3):

Labcorp Genetics (formerly Invitae), Labcorp
Classification: Likely benign for Fanconi anemia. Last evaluated: 2025-11-28. Review status: criteria provided, single submitter. Criteria: Invitae Variant Classification Sherloc (09022015). Collection method: clinical testing. Allele origin: germline.

CeGaT Center for Human Genetics Tuebingen
Classification: Likely benign. Last evaluated: 2023-11-01. Review status: criteria provided, single submitter. Criteria: CeGaT Center For Human Genetics Tuebingen Variant Classification Criteria Version 2. Collection method: clinical testing. Allele origin: germline. Affected: yes. Observed: 1 variant allele.
Comment: FANCL: BP4, BP7

Sema4
Classification: Likely benign for Fanconi anemia. Last evaluated: 2021-08-17. Review status: criteria provided, single submitter. Criteria: Sema4 Curation Guidelines. Collection method: curation. Allele origin: germline.

NM_018062.4(FANCL):c.36C>T (p.Cys12=)

Gene: FANCL (FA complementation group L; minus strand). Cytogenetic location: 2p16.1.
Variant type: single nucleotide variant.
Coding change: c.36C>T on transcript NM_018062.4 (MANE Select); coding-DNA position 36, C replaced by T.
Protein change: p.Cys12=; no amino-acid change (cysteine 12 retained).
Molecular consequence: synonymous variant.
Genome position (GRCh38, 1-based): chr2:58,241,278, G>A on the plus strand (C>T on the coding strand, the complement: FANCL is on the minus strand). VCF-style: chr2-58241278-G-A. GRCh37 (hg19) VCF-style: chr2-58468413-G-A.
Other names: c.36C>T, p.Cys12= (NM_001114636.2, NM_001374615.1, NM_001410792.1).
Identifiers: ClinVar variation 1570520 (VCV001570520.32), dbSNP rs756487177, ClinGen allele CA1670834.